The following is an entry in ClinVar:

NM_014989.7(RIMS1):c.1187C>T (p.Pro396Leu)

Gene: RIMS1 (regulating synaptic membrane exocytosis 1; plus strand). Cytogenetic location: 6q13.
Variant type: single nucleotide variant.
Coding change: c.1187C>T on transcript NM_014989.7 (MANE Select); coding-DNA position 1187, C replaced by T.
Protein change: p.Pro396Leu; replaces proline 396 with leucine.
Molecular consequence: missense variant.
Genome position (GRCh38, 1-based): chr6:72,182,658, C>T. VCF-style: chr6-72182658-C-T. GRCh37 (hg19) VCF-style: chr6-72892361-C-T.
Other names: short protein forms P396L.
Identifiers: ClinVar variation 1390036 (VCV001390036.6), dbSNP rs2153970380, ClinGen allele CA364820446.

ClinVar aggregate classification (germline): Uncertain significance (1 of 4 stars; one submission).

gnomAD v4.1: 3 of 1,481,000 alleles (0.0002%); no homozygotes.

Submission:

Labcorp Genetics (formerly Invitae), Labcorp
Classification: Uncertain significance. Last evaluated: 2022-11-28. Review status: criteria provided, single submitter. Criteria: Invitae Variant Classification Sherloc (09022015). Collection method: clinical testing. Allele origin: germline.
Comment: In summary, the available evidence is currently insufficient to determine the role of this variant in disease. Therefore, it has been classified as a Variant of Uncertain Significance. This variant has not been reported in the literature in individuals affected with RIMS1-related conditions. ClinVar contains an entry for this variant (Variation ID: 1390036). Algorithms developed to predict the effect of missense changes on protein structure and function are either unavailable or do not agree on the potential impact of this missense change (SIFT: "Deleterious"; PolyPhen-2: "Benign"; Align-GVGD: "Class C0"). This variant is not present in population databases (gnomAD no frequency). This sequence change replaces proline, which is neutral and non-polar, with leucine, which is neutral and non-polar, at codon 396 of the RIMS1 protein (p.Pro396Leu).